The following is an entry in ClinVar:

ClinVar aggregate classification (germline): Uncertain significance (1 of 4 stars; one submission).

Conditions:
Charcot-Marie-Tooth disease axonal type 2Z. Also called: CHARCOT-MARIE-TOOTH DISEASE, AXONAL, AUTOSOMAL DOMINANT, TYPE 2Z; CHARCOT-MARIE-TOOTH NEUROPATHY, TYPE 2Z. Identifiers: Orphanet 466768, MedGen C5569025, MONDO:0014736, OMIM 616688.

Submission:

Labcorp Genetics (formerly Invitae), Labcorp
Classification: Uncertain significance for Charcot-Marie-Tooth disease axonal type 2Z. Last evaluated: 2023-07-25. Review status: criteria provided, single submitter. Criteria: Invitae Variant Classification Sherloc (09022015). Collection method: clinical testing. Allele origin: germline.
Comment: ClinVar contains an entry for this variant (Variation ID: 1418984). This sequence change replaces arginine, which is basic and polar, with proline, which is neutral and non-polar, at codon 659 of the MORC2 protein (p.Arg659Pro). This variant is not present in population databases (gnomAD no frequency). This variant has not been reported in the literature in individuals affected with MORC2-related conditions. Advanced modeling of protein sequence and biophysical properties (such as structural, functional, and spatial information, amino acid conservation, physicochemical variation, residue mobility, and thermodynamic stability) has been performed at Invitae for this missense variant, however the output from this modeling did not meet the statistical confidence thresholds required to predict the impact of this variant on MORC2 protein function. In summary, the available evidence is currently insufficient to determine the role of this variant in disease. Therefore, it has been classified as a Variant of Uncertain Significance.

NM_001303256.3(MORC2):c.1976G>C (p.Arg659Pro)

Gene: MORC2 (MORC family CW-type zinc finger 2; minus strand). Cytogenetic location: 22q12.2.
Variant type: single nucleotide variant.
Coding change: c.1976G>C on transcript NM_001303256.3 (MANE Select); coding-DNA position 1976, G replaced by C.
Protein change: p.Arg659Pro; replaces arginine 659 with proline.
Molecular consequence: missense variant.
Genome position (GRCh38, 1-based): chr22:30,934,998, C>G on the plus strand (G>C on the coding strand, the complement: MORC2 is on the minus strand). VCF-style: chr22-30934998-C-G. GRCh37 (hg19) VCF-style: chr22-31330985-C-G.
Other names: c.1976G>C, p.Arg659Pro (NM_001303257.2); c.1790G>C, p.Arg597Pro (NM_014941.3); short protein forms R659P, R597P.
Identifiers: ClinVar variation 1418984 (VCV001418984.6), dbSNP rs769791429, ClinGen allele CA411234944.